The following is an entry in ClinVar:

NM_017882.3(CLN6):c.195dup (p.Met66fs)

Gene: CLN6 (CLN6 transmembrane ER protein; minus strand). Cytogenetic location: 15q23.
Variant type: Duplication.
Coding change: c.195dup on transcript NM_017882.3 (MANE Select); coding-DNA position 195, one base duplicated (C; older notation c.195dupC).
Protein change: p.Met66fs; shifts the reading frame from methionine 66.
Molecular consequence: frameshift variant.
Genome position (GRCh38, 1-based): chr15:68,218,539, G duplicated on the plus strand (C on the coding strand, the reverse complement: CLN6 is on the minus strand); the first of 2 consecutive G bases (chr15:68,218,539-68,218,540); duplicating either gives the same sequence. VCF-style (leftmost placement, unchanged base first): chr15-68218538-T-TG. GRCh37 (hg19) VCF-style: chr15-68510876-T-TG.
Other names: c.291dup, p.Met98fs (NM_001411068.1); short protein forms M66fs, M98fs.
Identifiers: ClinVar variation 2583179 (VCV002583179.2), dbSNP rs764463819, ClinGen allele CA2582342622.

ClinVar aggregate classification (germline): Pathogenic/Likely pathogenic. Review status: criteria provided, multiple submitters, no conflicts (2 of 4 stars). 2 submissions from 2 submitters: Pathogenic (1); Likely pathogenic (1). Last evaluated 2023-12-03.

Conditions:
Ceroid lipofuscinosis, neuronal, 6B (Kufs type). Also called: Neuronal ceroid lipofuscinosis 4A. Identifiers: Orphanet 700477, MedGen C5561927, MONDO:0008768, OMIM 204300.
Ceroid lipofuscinosis, neuronal, 6A. Also called: Neuronal ceroid lipofuscinosis, Gypsy/Indian early juvenile variant; Neuronal ceroid lipofuscinosis 6; CLN6-Related Neuronal Ceroid-Lipofuscinosis; Neuronal ceroid lipofuscinosis, late infantile, variant. Identifiers: Orphanet 168491, Orphanet 228363, MedGen C5551375, MONDO:0011144, OMIM 601780.

Submissions (2):

3billion
Classification: Pathogenic for Ceroid lipofuscinosis, neuronal, 6B (Kufs type). Last evaluated: 2023-12-03. Review status: criteria provided, single submitter. Criteria: ACMG Guidelines, 2015. Collection method: clinical testing. Allele origin: germline. Affected: yes.
Comment: The variant is not observed in the gnomAD v2.1.1 dataset. Predicted Consequence/Location: Frameshift: predicted to result in a loss or disruption of normal protein function through nonsense-mediated decay (NMD) or protein truncation. Multiple pathogenic variants are reported downstream of the variant. The variant has been reported to be associated with CLN6 related disorder (ClinVar ID: VCV002583179). However, the evidence of pathogenicity is insufficient at this time. Therefore, this variant is classified as Pathogenic according to the recommendation of ACMG/AMP guideline.

Diagnostics Services (NGS), CSIR - Centre For Cellular And Molecular Biology
Classification: Likely pathogenic for Ceroid lipofuscinosis, neuronal, 6A; Ceroid lipofuscinosis, neuronal, 6B (Kufs type). Last evaluated: 2023-10-03. Review status: criteria provided, single submitter. Criteria: ACMG Guidelines, 2015. Collection method: clinical testing. Allele origin: germline. Affected: yes. Observed: 1 variant allele, 1 homozygote.
Comment: The c.195dup variant is not present in publicly available population databases like 1000 Genomes, EVS, ExAC, gnomAD, Indian Exome Database or our in-house exome database. This variant has neither been published in literature in individuals affected with CLN6-related conditions nor reported to clinical databases like ClinVar, Human Genome Mutation Database (HGMD) or OMIM in any affected individuals. In-silico pathogenicity programs like SIFT, PolyPhen-2, MutationTaster2, CADD, Varsome, Franklin etc predicted this variant to be likely deleterious. This variant causes frameshift at the 66th amino acid position of the wild-type transcript which creates a premature translational stop signal in the altered transcript that may either result in translation of truncated protein or cause nonsense mediated decay of the mRNA.